The following is an entry in ClinVar:

ClinVar aggregate classification (germline): Uncertain significance (1 of 4 stars; one submission).

Submission:

GeneDx
Classification: Uncertain significance. Last evaluated: 2025-01-29. Review status: criteria provided, single submitter. Criteria: GeneDx Variant Classification Process June 2021. Collection method: clinical testing. Allele origin: germline. Affected: yes.
Comment: Not observed at significant frequency in large population cohorts (gnomAD); In silico analysis supports that this missense variant has a deleterious effect on protein structure/function; Has not been previously published as pathogenic or benign to our knowledge

NM_001130438.3(SPTAN1):c.6194C>T (p.Ser2065Phe)

Gene: SPTAN1 (spectrin alpha, non-erythrocytic 1; plus strand). Cytogenetic location: 9q34.11.
Variant type: single nucleotide variant.
Coding change: c.6194C>T on transcript NM_001130438.3 (MANE Select); coding-DNA position 6194, C replaced by T.
Protein change: p.Ser2065Phe; replaces serine 2065 with phenylalanine.
Molecular consequence: missense variant.
Genome position (GRCh38, 1-based): chr9:128,625,893, C>T. VCF-style: chr9-128625893-C-T. GRCh37 (hg19) VCF-style: chr9-131388172-C-T.
Other names: c.6119C>T, p.Ser2040Phe (NM_001195532.2); c.6194C>T, p.Ser2065Phe (NM_001363759.2, NM_001375310.1, NM_001375311.2 and 1 more transcripts); c.6134C>T, p.Ser2045Phe (NM_001363765.2, NM_001375314.2); c.6230C>T, p.Ser2077Phe (NM_001375312.2, NM_001375318.1); c.6179C>T, p.Ser2060Phe (NM_003127.4); short protein forms S2040F, S2045F, S2060F, S2065F, S2077F.
Identifiers: ClinVar variation 4072504 (VCV004072504.1).